The following is an entry in ClinVar:

ClinVar aggregate classification (germline): Uncertain significance (1 of 4 stars; one submission).

gnomAD v4.1: 2 of 1,613,910 alleles (0.00012%); highest among the groups gnomAD compares: African/African-American, 0.0013%; no homozygotes.

Submission:

Labcorp Genetics (formerly Invitae), Labcorp
Classification: Uncertain significance. Last evaluated: 2024-04-30. Review status: criteria provided, single submitter. Criteria: Invitae Variant Classification Sherloc (09022015). Collection method: clinical testing. Allele origin: germline.
Comment: This sequence change replaces alanine, which is neutral and non-polar, with valine, which is neutral and non-polar, at codon 891 of the IGF1R protein (p.Ala891Val). This variant is not present in population databases (gnomAD no frequency). This variant has not been reported in the literature in individuals affected with IGF1R-related conditions. Advanced modeling of protein sequence and biophysical properties (such as structural, functional, and spatial information, amino acid conservation, physicochemical variation, residue mobility, and thermodynamic stability) performed at Invitae indicates that this missense variant is not expected to disrupt IGF1R protein function with a negative predictive value of 80%. In summary, the available evidence is currently insufficient to determine the role of this variant in disease. Therefore, it has been classified as a Variant of Uncertain Significance.

NM_000875.5(IGF1R):c.2672C>T (p.Ala891Val)

Gene: IGF1R (insulin like growth factor 1 receptor; plus strand). Cytogenetic location: 15q26.3.
Variant type: single nucleotide variant.
Coding change: c.2672C>T on transcript NM_000875.5 (MANE Select); coding-DNA position 2672, C replaced by T.
Protein change: p.Ala891Val; replaces alanine 891 with valine.
Molecular consequence: missense variant.
Genome position (GRCh38, 1-based): chr15:98,924,574, C>T. VCF-style: chr15-98924574-C-T. GRCh37 (hg19) VCF-style: chr15-99467803-C-T.
Other names: c.2672C>T, p.Ala891Val (NM_001291858.2); short protein forms A891V.
Identifiers: ClinVar variation 3692236 (VCV003692236.2).